The following is an entry in ClinVar:

NM_014780.5(CUL7):c.3284G>A (p.Arg1095His)

Gene: CUL7 (cullin 7; minus strand). Cytogenetic location: 6p21.1.
Variant type: single nucleotide variant.
Coding change: c.3284G>A on transcript NM_014780.5 (MANE Select); coding-DNA position 3284, G replaced by A.
Protein change: p.Arg1095His; replaces arginine 1095 with histidine.
Molecular consequence: missense variant.
Genome position (GRCh38, 1-based): chr6:43,043,519, C>T on the plus strand (G>A on the coding strand, the complement: CUL7 is on the minus strand). VCF-style: chr6-43043519-C-T. GRCh37 (hg19) VCF-style: chr6-43011257-C-T.
Other names: c.3380G>A, p.Arg1127His (NM_001168370.2, NM_001374872.1); c.3284G>A, p.Arg1095His (NM_001374873.1, NM_001374874.1); short protein forms R1127H, R1095H.
Identifiers: ClinVar variation 910264 (VCV000910264.10), dbSNP rs188419107, ClinGen allele CA3813533.

ClinVar aggregate classification (germline): Uncertain significance. Review status: criteria provided, multiple submitters, no conflicts (2 of 4 stars). 3 submissions from 3 submitters: Uncertain significance (3). Last evaluated 2024-02-26.

Conditions:
3M syndrome 1. Also called: 3-M Syndrome, CUL7-Related. Identifiers: Orphanet 2616, MedGen C2678312, MONDO:0010117, OMIM 273750.
Inborn genetic diseases. Identifiers: MedGen C0950123, MeSH D030342.

Allele frequency attached by ClinVar (database versions not stated): gnomAD exomes 0.00004; ExAC 0.00007; gnomAD 0.00009 and 0.00012; TOPMed 0.00018; 1000 Genomes Project 0.00060; 1000 Genomes Project 30x 0.00062.
gnomAD v4.1: 77 of 1,614,042 alleles (0.0048%); highest among the groups gnomAD compares: Admixed American, 0.027%; no homozygotes.

Submissions (3):

Ambry Genetics
Classification: Uncertain significance for Inborn genetic diseases. Last evaluated: 2024-02-26. Review status: criteria provided, single submitter. Criteria: Ambry Variant Classification Scheme 2023. Collection method: clinical testing. Allele origin: germline.

Labcorp Genetics (formerly Invitae), Labcorp
Classification: Uncertain significance. Last evaluated: 2024-01-29. Review status: criteria provided, single submitter. Criteria: Invitae Variant Classification Sherloc (09022015). Collection method: clinical testing. Allele origin: germline.
Comment: This sequence change replaces arginine, which is basic and polar, with histidine, which is basic and polar, at codon 1095 of the CUL7 protein (p.Arg1095His). This variant is present in population databases (rs188419107, gnomAD 0.008%). This variant has not been reported in the literature in individuals affected with CUL7-related conditions. ClinVar contains an entry for this variant (Variation ID: 910264). Advanced modeling of protein sequence and biophysical properties (such as structural, functional, and spatial information, amino acid conservation, physicochemical variation, residue mobility, and thermodynamic stability) performed at Invitae indicates that this missense variant is not expected to disrupt CUL7 protein function with a negative predictive value of 80%. In summary, the available evidence is currently insufficient to determine the role of this variant in disease. Therefore, it has been classified as a Variant of Uncertain Significance.

Illumina Laboratory Services, Illumina
Classification: Uncertain significance for 3M syndrome 1. Last evaluated: 2018-01-13. Review status: criteria provided, single submitter. Criteria: ICSL Variant Classification Criteria 13 December 2019. Collection method: clinical testing. Allele origin: germline.